The following is an entry in ClinVar:

ClinVar aggregate classification (germline): Uncertain significance. Review status: criteria provided, multiple submitters, no conflicts (2 of 4 stars). 2 submissions from 2 submitters: Uncertain significance (2). Last evaluated 2022-12-19.

Conditions:
Inborn genetic diseases. Identifiers: MedGen C0950123, MeSH D030342.

Allele frequency attached by ClinVar (database versions not stated): gnomAD 0.00004.

Submissions (2):

Ambry Genetics
Classification: Uncertain significance for Inborn genetic diseases. Last evaluated: 2022-12-19. Review status: criteria provided, single submitter. Criteria: Ambry Variant Classification Scheme 2023. Collection method: clinical testing. Allele origin: germline.

Labcorp Genetics (formerly Invitae), Labcorp
Classification: Uncertain significance. Last evaluated: 2022-01-11. Review status: criteria provided, single submitter. Criteria: Invitae Variant Classification Sherloc (09022015). Collection method: clinical testing. Allele origin: germline.
Comment: This sequence change replaces arginine, which is basic and polar, with glutamine, which is neutral and polar, at codon 112 of the BLOC1S3 protein (p.Arg112Gln). This variant is present in population databases (no rsID available, gnomAD 0.01%). This variant has not been reported in the literature in individuals affected with BLOC1S3-related conditions. Algorithms developed to predict the effect of missense changes on protein structure and function are either unavailable or do not agree on the potential impact of this missense change (SIFT: "Deleterious"; PolyPhen-2: "Possibly Damaging"; Align-GVGD: "Class C0"). Algorithms developed to predict the effect of sequence changes on RNA splicing suggest that this variant may create or strengthen a splice site. In summary, the available evidence is currently insufficient to determine the role of this variant in disease. Therefore, it has been classified as a Variant of Uncertain Significance.

NM_212550.5(BLOC1S3):c.335G>A (p.Arg112Gln)

Gene: BLOC1S3 (biogenesis of lysosomal organelles complex 1 subunit 3; plus strand). Cytogenetic location: 19q13.32.
Variant type: single nucleotide variant.
Coding change: c.335G>A on transcript NM_212550.5 (MANE Select); coding-DNA position 335, G replaced by A.
Protein change: p.Arg112Gln; replaces arginine 112 with glutamine.
Molecular consequence: missense variant.
Genome position (GRCh38, 1-based): chr19:45,179,631, G>A. VCF-style: chr19-45179631-G-A. GRCh37 (hg19) VCF-style: chr19-45682889-G-A.
Other names: c.335G>A (NM_212550.3); short protein forms R112Q.
Identifiers: ClinVar variation 2180618 (VCV002180618.2), dbSNP rs1021933564, ClinGen allele CA308943313.
Genomic context (GRCh38, chr19:45,179,631, plus strand): 5'-AGGCCTGGGGCACGGAGGAGGCCCCGGCGCCCGCCCCCGCGCGCTCGCTCCTGCAACTTC[G>A]GCTGGCGGAGAGCCAGGCGCGGCTGGACCACGACGTGGCGGCCGCCGTGAGCGGTGTCTA-3'
Protein context (NP_997715.1, residues 102-122): PAPARSLLQL[Arg112Gln]LAESQARLDH